The following is an entry in ClinVar:

NM_001283009.2(RTEL1):c.511T>A (p.Ser171Thr)

Genes: RTEL1 (regulator of telomere elongation helicase 1; plus strand), RTEL1-TNFRSF6B (RTEL1-TNFRSF6B readthrough (NMD candidate); plus strand). Cytogenetic location: 20q13.33.
Variant type: single nucleotide variant.
Coding change: c.511T>A on transcript NM_001283009.2 (MANE Select); coding-DNA position 511, T replaced by A.
Protein change: p.Ser171Thr; replaces serine 171 with threonine.
Molecular consequence: missense variant. On other transcripts: non-coding transcript variant (1), 5 prime UTR variant (1).
Genome position (GRCh38, 1-based): chr20:63,662,862, T>A. VCF-style: chr20-63662862-T-A. GRCh37 (hg19) VCF-style: chr20-62294215-T-A.
Other names: c.-159T>A (NM_001283010.1); c.511T>A, p.Ser171Thr (NM_016434.4); c.583T>A, p.Ser195Thr (NM_032957.5); short protein forms S195T, S171T.
Identifiers: ClinVar variation 3156817 (VCV003156817.2), dbSNP rs763230358, ClinGen allele CA9964307.

ClinVar aggregate classification (germline): Uncertain significance. Review status: criteria provided, multiple submitters, no conflicts (2 of 4 stars). 2 submissions from 2 submitters: Uncertain significance (2). Last evaluated 2025-04-02.

Conditions:
Pulmonary fibrosis and/or bone marrow failure, Telomere-related, 3. Also called: PULMONARY FIBROSIS AND/OR BONE MARROW FAILURE SYNDROME, TELOMERE-RELATED, 3. Identifiers: Orphanet 2032, MedGen C4225346, MONDO:0014613, OMIM 616373.
Dyskeratosis congenita, autosomal recessive 5 (DKCB5). Identifiers: MedGen C3554656, MONDO:0014076, OMIM 615190.
Inborn genetic diseases. Identifiers: MedGen C0950123, MeSH D030342.

Allele frequency attached by ClinVar (database versions not stated): gnomAD exomes below 0.00001; ExAC 0.00001.
gnomAD v4.1: 2 of 1,613,976 alleles (0.00012%); highest among the groups gnomAD compares: Non-Finnish European, 0.00017%; no homozygotes.

Submissions (2):

Labcorp Genetics (formerly Invitae), Labcorp
Classification: Uncertain significance for Dyskeratosis congenita, autosomal recessive 5; Pulmonary fibrosis and/or bone marrow failure, Telomere-related, 3. Last evaluated: 2025-04-02. Review status: criteria provided, single submitter. Criteria: Invitae Variant Classification Sherloc (09022015). Collection method: clinical testing. Allele origin: germline.
Comment: This sequence change replaces serine, which is neutral and polar, with threonine, which is neutral and polar, at codon 171 of the RTEL1 protein (p.Ser171Thr). This variant is present in population databases (rs763230358, gnomAD 0.0009%). This variant has not been reported in the literature in individuals affected with RTEL1-related conditions. ClinVar contains an entry for this variant (Variation ID: 3156817). An algorithm developed to predict the effect of missense changes on protein structure and function outputs the following: PolyPhen-2: "Benign". The threonine amino acid residue is found in multiple mammalian species, which suggests that this missense change does not adversely affect protein function. In summary, the available evidence is currently insufficient to determine the role of this variant in disease. Therefore, it has been classified as a Variant of Uncertain Significance.

Ambry Genetics
Classification: Uncertain significance for Inborn genetic diseases. Last evaluated: 2024-02-05. Review status: criteria provided, single submitter. Criteria: Ambry Variant Classification Scheme 2023. Collection method: clinical testing. Allele origin: germline.